The following is an entry in ClinVar:

NM_001142864.4(PIEZO1):c.3935C>T (p.Ala1312Val)

Gene: PIEZO1 (piezo type mechanosensitive ion channel component 1 (Er blood group); minus strand). Cytogenetic location: 16q24.3.
Variant type: single nucleotide variant.
Coding change: c.3935C>T on transcript NM_001142864.4 (MANE Select); coding-DNA position 3935, C replaced by T.
Protein change: p.Ala1312Val; replaces alanine 1312 with valine.
Molecular consequence: missense variant.
Genome position (GRCh38, 1-based): chr16:88,726,317, G>A on the plus strand (C>T on the coding strand, the complement: PIEZO1 is on the minus strand). VCF-style: chr16-88726317-G-A. GRCh37 (hg19) VCF-style: chr16-88792725-G-A.
Other names: p.Ala1312Val; short protein forms A1312V.
Identifiers: ClinVar variation 727412 (VCV000727412.22), dbSNP rs34246477, ClinGen allele CA8232306.

ClinVar aggregate classification (germline): Conflicting classifications of pathogenicity. Review status: criteria provided, conflicting classifications (1 of 4 stars). 5 submissions from 5 submitters: Uncertain significance (1); Benign (2); Likely benign (2). Last evaluated 2025-10-20.

Conditions:
Dehydrated hereditary stomatocytosis with or without pseudohyperkalemia and/or perinatal edema (DHS1). Also called: DEHYDRATED HEREDITARY STOMATOCYTOSIS AND PSEUDOHYPERKALEMIA; PSEUDOHYPERKALEMIA EDINBURGH; DEHYDRATED HEREDITARY STOMATOCYTOSIS WITH PSEUDOHYPERKALEMIA AND PERINATAL EDEMA; Pseudohyperkalemia, familial, 1, due to red cell leak; Dehydrated hereditary stomatocytosis 1 with or without pseudohyperkalemia and/or perinatal edema. Identifiers: Orphanet 3202, MedGen C4551512, MONDO:0008689, OMIM 194380.

Allele frequency attached by ClinVar (database versions not stated): gnomAD exomes 0.00027 and 0.00074; ExAC 0.00141; 1000 Genomes Project 30x 0.00203; ESP Exome Variant Server 0.00219; 1000 Genomes Project 0.00240; gnomAD 0.00258 and 0.00274; TOPMed 0.00299.
gnomAD v4.1: 812 of 1,550,124 alleles (0.052%); highest among the groups gnomAD compares: African/African-American, 0.92%; 4 homozygotes.

Submissions (5):

Mayo Clinic Laboratories, Mayo Clinic
Classification: Likely benign. Last evaluated: 2025-10-20. Review status: criteria provided, single submitter. Criteria: ACMG Guidelines, 2015. Collection method: clinical testing. Allele origin: germline. Observed: 5 variant alleles.
Comment: BS2, BP4_moderate

Labcorp Genetics (formerly Invitae), Labcorp
Classification: Benign. Last evaluated: 2025-10-14. Review status: criteria provided, single submitter. Criteria: Invitae Variant Classification Sherloc (09022015). Collection method: clinical testing. Allele origin: germline.

Blueprint Genetics
Classification: Benign. Last evaluated: 2024-08-28. Review status: criteria provided, single submitter. Criteria: ACMG Guidelines, 2015. Collection method: clinical testing. Allele origin: germline.

Genomic Medicine Center of Excellence, King Faisal Specialist Hospital and Research Centre
Classification: Likely benign for Dehydrated hereditary stomatocytosis with or without pseudohyperkalemia and/or perinatal edema. Last evaluated: 2024-04-04. Review status: criteria provided, single submitter. Criteria: ACMG Guidelines, 2015. Collection method: clinical testing. Allele origin: germline.

ARUP Laboratories, Molecular Genetics and Genomics, ARUP Laboratories
Classification: Uncertain significance. Last evaluated: 2020-05-29. Review status: criteria provided, single submitter. Criteria: ARUP Molecular Germline Variant Investigation Process. Collection method: clinical testing. Allele origin: germline.